The following is an entry in ClinVar:

ClinVar aggregate classification (germline): Pathogenic (1 of 4 stars; one submission).

Conditions:
Intellectual developmental disorder with seizures and language delay (IDDSELD). Identifiers: MedGen C5436574, MONDO:0033559, OMIM 619000.

Submission:

Institute of Human Genetics, University of Leipzig Medical Center
Classification: Pathogenic for Intellectual developmental disorder with seizures and language delay. Last evaluated: 2021-11-01. Review status: criteria provided, single submitter. Criteria: ACMG/ClinGen CNV Guidelines, 2019. Collection method: clinical testing. Allele origin: unknown. Affected: yes.
Comment: observed as potential unbalanced translocation (12q24)

GRCh37/hg19 6q27(chr6:169830713-171022896)x1

Genes: C6orf120 (chromosome 6 open reading frame 120; plus strand), DLL1 (delta like canonical Notch ligand 1; minus strand), DYNLT2 (dynein light chain Tctex-type 2; minus strand), ERMARD (ER membrane associated RNA degradation; plus strand), FAM120B (family with sequence similarity 120 member B; plus strand) and 5 more. Cytogenetic location: 6q27.
Variant type: copy number loss.
Change: copy number 1 (one copy instead of two) of chr6:169,830,713-171,022,896 (1.19 Mb, GRCh37 coordinates, 1-based), cytogenetic band 6q27.
Identifiers: ClinVar variation 1330195 (VCV001330195.1).